The following is an entry in ClinVar:

NM_000742.4(CHRNA2):c.181C>T (p.Arg61Trp)

Gene: CHRNA2 (cholinergic receptor nicotinic alpha 2 subunit; minus strand). Cytogenetic location: 8p21.2.
Variant type: single nucleotide variant.
Coding change: c.181C>T on transcript NM_000742.4 (MANE Select); coding-DNA position 181, C replaced by T.
Protein change: p.Arg61Trp; replaces arginine 61 with tryptophan.
Molecular consequence: missense variant. On other transcripts: 5 prime UTR variant (4).
Genome position (GRCh38, 1-based): chr8:27,469,874, G>A on the plus strand (C>T on the coding strand, the complement: CHRNA2 is on the minus strand). VCF-style: chr8-27469874-G-A. GRCh37 (hg19) VCF-style: chr8-27327391-G-A.
Other names: c.181C>T, p.Arg61Trp (NM_001282455.2); c.-247C>T (NM_001347705.2); c.-292C>T (NM_001347706.2); c.-233C>T (NM_001347707.2); c.-281C>T (NM_001347708.2); short protein forms R61W.
Identifiers: ClinVar variation 2068607 (VCV002068607.4), dbSNP rs142375828, ClinGen allele CA4689772.
Genomic context (GRCh38, chr8:27,469,874, plus strand): 5'-AAGTGTTGGGCACCGGGCGCGCCCAGCGGTTGTAGCCCCGGAAGAGGTGTTTGAAGAGCC[G>A]GTCCTCAGTCTCGGTATGCGAGCCTCCCTGCGGCAATGCCGTGGGACTGGGAGAGGAGAG-3'
Protein context (NP_000733.2, residues 51-71): QGGSHTETED[Arg61Trp]LFKHLFRGYN

ClinVar aggregate classification (germline): Uncertain significance (1 of 4 stars; one submission).

Conditions:
Familial sleep-related hypermotor epilepsy. Also called: Autosomal Dominant Sleep-Related Hypermotor (Hyperkinetic) Epilepsy. Identifiers: Orphanet 98784, MedGen C3696898, MONDO:0000030.

Allele frequency attached by ClinVar (database versions not stated): ExAC 0.00004; gnomAD 0.00005; ESP Exome Variant Server 0.00015.
gnomAD v4.1: 24 of 1,614,048 alleles (0.0015%); highest among the groups gnomAD compares: African/African-American, 0.0093%; no homozygotes.

Submission:

Labcorp Genetics (formerly Invitae), Labcorp
Classification: Uncertain significance. Last evaluated: 2024-03-10. Review status: criteria provided, single submitter. Criteria: Invitae Variant Classification Sherloc (09022015). Collection method: clinical testing. Allele origin: germline.
Comment: This sequence change replaces arginine, which is basic and polar, with tryptophan, which is neutral and slightly polar, at codon 61 of the CHRNA2 protein (p.Arg61Trp). This variant is present in population databases (rs142375828, gnomAD 0.02%). This variant has not been reported in the literature in individuals affected with CHRNA2-related conditions. ClinVar contains an entry for this variant (Variation ID: 2068607). Advanced modeling of protein sequence and biophysical properties (such as structural, functional, and spatial information, amino acid conservation, physicochemical variation, residue mobility, and thermodynamic stability) performed at Invitae indicates that this missense variant is expected to disrupt CHRNA2 protein function with a positive predictive value of 80%. In summary, the available evidence is currently insufficient to determine the role of this variant in disease. Therefore, it has been classified as a Variant of Uncertain Significance.